The following is an entry in ClinVar:

NM_000069.3(CACNA1S):c.1716C>A (p.Ile572=)

Gene: CACNA1S (calcium voltage-gated channel subunit alpha1 S; minus strand). Cytogenetic location: 1q32.1.
Variant type: single nucleotide variant.
Coding change: c.1716C>A on transcript NM_000069.3 (MANE Select); coding-DNA position 1716, C replaced by A.
Protein change: p.Ile572=; no amino-acid change (isoleucine 572 retained).
Molecular consequence: synonymous variant.
Genome position (GRCh38, 1-based): chr1:201,077,031, G>T on the plus strand (C>A on the coding strand, the complement: CACNA1S is on the minus strand). VCF-style: chr1-201077031-G-T. GRCh37 (hg19) VCF-style: chr1-201046159-G-T.
Identifiers: ClinVar variation 3386376 (VCV003386376.1).

ClinVar aggregate classification (germline): Likely benign (1 of 4 stars; one submission).

Conditions:
Malignant hyperthermia, susceptibility to, 5 (MHS5). Also called: CACNA1S-Related Malignant Hyperthermia Susceptibility. Identifiers: Orphanet 423, MedGen C1866077, MONDO:0011163, OMIM 601887.

gnomAD v4.1: 2 of 1,614,190 alleles (0.00012%); highest among the groups gnomAD compares: Non-Finnish European, 0.00017%; no homozygotes.

Submission:

All of Us Research Program, National Institutes of Health
Classification: Likely benign for Malignant hyperthermia, susceptibility to, 5. Last evaluated: 2024-05-14. Review status: criteria provided, single submitter. Criteria: ACMG Guidelines, 2015. Collection method: clinical testing. Allele origin: germline. Inheritance: Autosomal dominant inheritance. Observed: 1 variant allele, 1 heterozygote.
Comment: This study involves interpretation of variants in research participants for the purpose of population health screening. Participant phenotype was not available at the time of variant classification. Additional details can be found in publication PMID: 35346344, PMCID: PMC8962531